The following is an entry in ClinVar:

ClinVar aggregate classification (germline): Uncertain significance (1 of 4 stars; one submission).

gnomAD v4.1: 6 of 1,614,048 alleles (0.00037%); highest among the groups gnomAD compares: South Asian, 0.0011%; no homozygotes.

Submission:

Labcorp Genetics (formerly Invitae), Labcorp
Classification: Uncertain significance. Last evaluated: 2022-10-19. Review status: criteria provided, single submitter. Criteria: Invitae Variant Classification Sherloc (09022015). Collection method: clinical testing. Allele origin: germline.
Comment: This sequence change replaces glycine, which is neutral and non-polar, with cysteine, which is neutral and slightly polar, at codon 43 of the ELP4 protein (p.Gly43Cys). The frequency data for this variant in the population databases is considered unreliable, as metrics indicate poor data quality at this position in the gnomAD database. This variant has not been reported in the literature in individuals affected with ELP4-related conditions. Algorithms developed to predict the effect of missense changes on protein structure and function output the following: SIFT: "Tolerated"; PolyPhen-2: "Benign"; Align-GVGD: "Class C0". The cysteine amino acid residue is found in multiple mammalian species, which suggests that this missense change does not adversely affect protein function. In summary, the available evidence is currently insufficient to determine the role of this variant in disease. Therefore, it has been classified as a Variant of Uncertain Significance.

NM_019040.5(ELP4):c.127G>T (p.Gly43Cys)

Gene: ELP4 (elongator acetyltransferase complex subunit 4; plus strand). Cytogenetic location: 11p13.
Variant type: single nucleotide variant.
Coding change: c.127G>T on transcript NM_019040.5 (MANE Select); coding-DNA position 127, G replaced by T.
Protein change: p.Gly43Cys; replaces glycine 43 with cysteine.
Molecular consequence: missense variant.
Genome position (GRCh38, 1-based): chr11:31,509,911, G>T. VCF-style: chr11-31509911-G-T. GRCh37 (hg19) VCF-style: chr11-31531458-G-T.
Other names: c.127G>T, p.Gly43Cys (NM_001288725.2, NM_001288726.2); short protein forms G43C.
Identifiers: ClinVar variation 2901384 (VCV002901384.3), dbSNP rs201513124, ClinGen allele CA220261447.